The following is an entry in ClinVar:

NM_001145860.2(POP1):c.1195dup (p.Ile399fs)

Gene: POP1 (POP1 homolog, ribonuclease P/MRP subunit; plus strand). Cytogenetic location: 8q22.2.
Variant type: Duplication.
Coding change: c.1195dup on transcript NM_001145860.2 (MANE Select); coding-DNA position 1195, one base duplicated (A; older notation c.1195dupA).
Protein change: p.Ile399fs; shifts the reading frame from isoleucine 399.
Molecular consequence: frameshift variant.
Genome position (GRCh38, 1-based): chr8:98,136,665, A duplicated; the last of 7 consecutive A bases (chr8:98,136,659-98,136,665); duplicating any one gives the same sequence. VCF-style (leftmost placement, unchanged base first): chr8-98136658-T-TA. GRCh37 (hg19) VCF-style: chr8-99148886-T-TA.
Other names: c.1195dup, p.Ile399fs (NM_001145861.2, NM_015029.3); short protein forms I399fs.
Identifiers: ClinVar variation 2216148 (VCV002216148.2), dbSNP rs762132704, ClinGen allele CA4820504.

ClinVar aggregate classification (germline): Pathogenic (1 of 4 stars; one submission).

Conditions:
Inborn genetic diseases. Identifiers: MedGen C0950123, MeSH D030342.

Submission:

Ambry Genetics
Classification: Pathogenic for Inborn genetic diseases. Last evaluated: 2022-08-06. Review status: criteria provided, single submitter. Criteria: Ambry Variant Classification Scheme 2023. Collection method: clinical testing. Allele origin: germline.
Comment: The c.1195dupA (p.I399Nfs*4) alteration, located in exon 8 (coding exon 7) of the POP1 gene, consists of a duplication of A at position 1195, causing a translational frameshift with a predicted alternate stop codon after 4 amino acids. This alteration is expected to result in loss of function by premature protein truncation or nonsense-mediated mRNA decay. Based on data from gnomAD, the AA allele has an overall frequency of <0.01% (1/251034) total alleles studied. The highest observed frequency was <0.01% (1/113396) of European (non-Finnish) alleles. Based on the available evidence, this alteration is classified as pathogenic.